The following is an entry in ClinVar:

NM_005228.5(EGFR):c.184C>T (p.Leu62Phe)

Gene: EGFR (epidermal growth factor receptor; plus strand). Cytogenetic location: 7p11.2.
Variant type: single nucleotide variant.
Coding change: c.184C>T on transcript NM_005228.5 (MANE Select); coding-DNA position 184, C replaced by T.
Protein change: p.Leu62Phe; replaces leucine 62 with phenylalanine.
Molecular consequence: missense variant. On other transcripts: intron variant (1).
Genome position (GRCh38, 1-based): chr7:55,142,381, C>T. VCF-style: chr7-55142381-C-T. GRCh37 (hg19) VCF-style: chr7-55210074-C-T.
Other names: c.184C>T, p.Leu62Phe (NM_001346897.2, NM_001346898.2, NM_001346899.2 and 3 more transcripts); c.25C>T, p.Leu9Phe (NM_001346900.2); c.89-13449C>T (NM_001346941.2); short protein forms L9F, L62F.
Identifiers: ClinVar variation 1929874 (VCV001929874.6), dbSNP rs2128926338, ClinGen allele CA367574760.
Genomic context (GRCh38, chr7:55,142,381, plus strand): 5'-GGCACTTTTGAAGATCATTTTCTCAGCCTCCAGAGGATGTTCAATAACTGTGAGGTGGTC[C>T]TTGGGAATTTGGAAATTACCTATGTGCAGAGGAATTATGATCTTTCCTTCTTAAAGGTTG-3'
Protein context (NP_005219.2, residues 52-72): QRMFNNCEVV[Leu62Phe]GNLEITYVQR

ClinVar aggregate classification (germline): Uncertain significance. Review status: criteria provided, multiple submitters, no conflicts (2 of 4 stars). 2 submissions from 2 submitters: Uncertain significance (2). Last evaluated 2025-01-16.

Conditions:
EGFR-related lung cancer (EGFR). Identifiers: MedGen CN130014.
Hereditary cancer-predisposing syndrome. Also called: Neoplastic Syndromes, Hereditary; Hereditary Cancer Syndrome; Tumor predisposition; Hereditary neoplastic syndrome. Identifiers: Orphanet 140162, MedGen C0027672, MeSH D009386, MONDO:0015356.

Submissions (2):

Ambry Genetics
Classification: Uncertain significance for Hereditary cancer-predisposing syndrome. Last evaluated: 2025-01-16. Review status: criteria provided, single submitter. Criteria: Ambry Variant Classification Scheme 2023. Collection method: clinical testing. Allele origin: germline.
Comment: The p.L62F variant (also known as c.184C>T), located in coding exon 2 of the EGFR gene, results from a C to T substitution at nucleotide position 184. The leucine at codon 62 is replaced by phenylalanine, an amino acid with highly similar properties. This amino acid position is highly conserved in available vertebrate species. In addition, the in silico prediction for this alteration is inconclusive. Based on the available evidence, the clinical significance of this variant remains unclear.

Labcorp Genetics (formerly Invitae), Labcorp
Classification: Uncertain significance for EGFR-related lung cancer. Last evaluated: 2023-07-22. Review status: criteria provided, single submitter. Criteria: Invitae Variant Classification Sherloc (09022015). Collection method: clinical testing. Allele origin: germline.
Comment: Advanced modeling of protein sequence and biophysical properties (such as structural, functional, and spatial information, amino acid conservation, physicochemical variation, residue mobility, and thermodynamic stability) has been performed at Invitae for this missense variant, however the output from this modeling did not meet the statistical confidence thresholds required to predict the impact of this variant on EGFR protein function. In summary, the available evidence is currently insufficient to determine the role of this variant in disease. Therefore, it has been classified as a Variant of Uncertain Significance. ClinVar contains an entry for this variant (Variation ID: 1929874). This variant has not been reported in the literature in individuals affected with EGFR-related conditions. This variant is not present in population databases (gnomAD no frequency). This sequence change replaces leucine, which is neutral and non-polar, with phenylalanine, which is neutral and non-polar, at codon 62 of the EGFR protein (p.Leu62Phe).